The following is an entry in ClinVar:

NM_001379500.1(COL18A1):c.743C>T (p.Ser248Phe)

Gene: COL18A1 (collagen type XVIII alpha 1 chain; plus strand). Cytogenetic location: 21q22.3.
Variant type: single nucleotide variant.
Coding change: c.743C>T on transcript NM_001379500.1 (MANE Select); coding-DNA position 743, C replaced by T.
Protein change: p.Ser248Phe; replaces serine 248 with phenylalanine.
Molecular consequence: missense variant.
Genome position (GRCh38, 1-based): chr21:45,475,480, C>T. VCF-style: chr21-45475480-C-T. GRCh37 (hg19) VCF-style: chr21-46895394-C-T.
Other names: NM_130445.2:c.743C>T; c.1283C>T, p.Ser428Phe (NM_030582.4); c.1988C>T, p.Ser663Phe (NM_130444.3); c.1283C>T (NM_030582.3); short protein forms S428F, S663F.
Identifiers: ClinVar variation 340203 (VCV000340203.13), dbSNP rs200073359, ClinGen allele CA10065874.

ClinVar aggregate classification (germline): Conflicting classifications of pathogenicity. Review status: criteria provided, conflicting classifications (1 of 4 stars). 5 submissions from 5 submitters: Uncertain significance (4); Likely benign (1). Last evaluated 2026-03-19.

Conditions:
Knobloch syndrome (KNO). Also called: RETINAL DETACHMENT AND OCCIPITAL ENCEPHALOCELE; Myopia retinal detachment encephalocele. Identifiers: Orphanet 1571, MedGen C1849409, MONDO:0800166.
COL18A1-related disorder. Also called: COL18A1-related condition; COL18A1-related disorders.
Inborn genetic diseases. Identifiers: MedGen C0950123, MeSH D030342.

Allele frequency attached by ClinVar (database versions not stated): 1000 Genomes Project 30x 0.00031; 1000 Genomes Project 0.00040; gnomAD 0.00053 and 0.00054; gnomAD exomes 0.00053 and 0.00098; TOPMed 0.00059; ESP Exome Variant Server 0.00067; ExAC 0.00077.
gnomAD v4.1: 1,486 of 1,603,094 alleles (0.093%); highest among the groups gnomAD compares: Non-Finnish European, 0.12%; 2 homozygotes.

Submissions (5):

PreventionGenetics, part of Exact Sciences
Classification: Uncertain significance for COL18A1-related condition. Last evaluated: 2026-03-19. Review status: criteria provided, single submitter. Criteria: ACMG Guidelines, 2015. Collection method: clinical testing. Allele origin: germline.
Comment: The COL18A1 c.1283C>T variant is predicted to result in the amino acid substitution p.Ser428Phe. To our knowledge, this variant has not been reported in the literature. However, this variant is reported in 0.10% of alleles in individuals of European (Non-Finnish) descent in gnomAD, which may be too frequent to be a primary cause of disease. Although we suspect that this variant may be benign, the clinical significance of this variant is currently classified as uncertain due to the absence of conclusive functional and genetic evidence.

Labcorp Genetics (formerly Invitae), Labcorp
Classification: Uncertain significance. Last evaluated: 2025-01-09. Review status: criteria provided, single submitter. Criteria: Invitae Variant Classification Sherloc (09022015). Collection method: clinical testing. Allele origin: germline.
Comment: This sequence change replaces serine, which is neutral and polar, with phenylalanine, which is neutral and non-polar, at codon 248 of the COL18A1 protein (p.Ser248Phe). This variant is present in population databases (rs200073359, gnomAD 0.1%), including at least one homozygous and/or hemizygous individual. This variant has not been reported in the literature in individuals affected with COL18A1-related conditions. ClinVar contains an entry for this variant (Variation ID: 340203). Experimental studies and prediction algorithms are not available or were not evaluated, and the functional significance of this variant is currently unknown. In summary, the available evidence is currently insufficient to determine the role of this variant in disease. Therefore, it has been classified as a Variant of Uncertain Significance.

Blueprint Genetics
Classification: Likely benign. Last evaluated: 2024-10-24. Review status: criteria provided, single submitter. Criteria: ACMG Guidelines, 2015. Collection method: clinical testing. Allele origin: germline.

Ambry Genetics
Classification: Uncertain significance for Inborn genetic diseases. Last evaluated: 2022-09-05. Review status: criteria provided, single submitter. Criteria: Ambry Variant Classification Scheme 2023. Collection method: clinical testing. Allele origin: germline.
Comment: The c.743C>T (p.S248F) alteration is located in coding exon 5 of the COL18A1 gene. This alteration results from a C to T substitution at nucleotide position 743, causing the serine (S) at amino acid position 248 to be replaced by a phenylalanine (F). Based on data from the Genome Aggregation Database (gnomAD) database, the COL18A1 c.743C>T alteration was observed in 0.05% (143/261378) of total alleles studied, with a frequency of 0.1% (121/119162) in the European (non-Finnish) subpopulation. This amino acid position is highly conserved in available vertebrate species. The p.S248F alteration is predicted to be tolerated by in silico analysis. Based on insufficient or conflicting evidence, the clinical significance of this alteration remains unclear.

Illumina Laboratory Services, Illumina
Classification: Uncertain significance for Knobloch syndrome 1. Last evaluated: 2018-01-12. Review status: criteria provided, single submitter. Criteria: ICSL Variant Classification Criteria 13 December 2019. Collection method: clinical testing. Allele origin: germline.